The following is an entry in ClinVar:

NM_000094.4(COL7A1):c.2091del (p.Ser698fs)

Gene: COL7A1 (collagen type VII alpha 1 chain; minus strand). Cytogenetic location: 3p21.31.
Variant type: Deletion.
Coding change: c.2091del on transcript NM_000094.4 (MANE Select); coding-DNA position 2091, one base deleted (C; older notation c.2091delC).
Protein change: p.Ser698fs; shifts the reading frame from serine 698.
Molecular consequence: frameshift variant.
Genome position (GRCh38, 1-based): chr3:48,589,678, G deleted on the plus strand (C on the coding strand, the reverse complement: COL7A1 is on the minus strand); the first of 2 consecutive G bases (chr3:48,589,678-48,589,679); deleting either gives the same sequence. VCF-style (leftmost placement, unchanged base first): chr3-48589677-TG-T. GRCh37 (hg19) VCF-style: chr3-48627110-TG-T.
Other names: short protein forms S698fs.
Identifiers: ClinVar variation 2844912 (VCV002844912.3), dbSNP rs1228163648, ClinGen allele CA543045304.

ClinVar aggregate classification (germline): Pathogenic (1 of 4 stars; one submission).

Submission:

Labcorp Genetics (formerly Invitae), Labcorp
Classification: Pathogenic. Last evaluated: 2023-03-11. Review status: criteria provided, single submitter. Criteria: Invitae Variant Classification Sherloc (09022015). Collection method: clinical testing. Allele origin: germline.
Comment: For these reasons, this variant has been classified as Pathogenic. Algorithms developed to predict the effect of sequence changes on RNA splicing suggest that this variant may disrupt the consensus splice site. This variant has not been reported in the literature in individuals affected with COL7A1-related conditions. This variant is present in population databases (no rsID available, gnomAD 0.006%). This sequence change creates a premature translational stop signal (p.Ser698Alafs*56) in the COL7A1 gene. It is expected to result in an absent or disrupted protein product. Loss-of-function variants in COL7A1 are known to be pathogenic (PMID: 16971478).

Literature cited by the submitters: PubMed 16971478.